The following is an entry in ClinVar:

NM_003235.5(TG):c.8010C>A (p.Tyr2670Ter)

Gene: TG (thyroglobulin; plus strand). Cytogenetic location: 8q24.22.
Variant type: single nucleotide variant.
Coding change: c.8010C>A on transcript NM_003235.5 (MANE Select); coding-DNA position 8010, C replaced by A.
Protein change: p.Tyr2670Ter; replaces tyrosine 2670 with a stop codon.
Molecular consequence: nonsense.
Genome position (GRCh38, 1-based): chr8:133,133,482, C>A. VCF-style: chr8-133133482-C-A. GRCh37 (hg19) VCF-style: chr8-134145726-C-A.
Other names: short protein forms Y2670*.
Identifiers: ClinVar variation 2795101 (VCV002795101.3), dbSNP rs1440911824, ClinGen allele CA372253012.

ClinVar aggregate classification (germline): Pathogenic (1 of 4 stars; one submission).

gnomAD v4.1: 1 of 1,614,194 alleles (0.000062%); highest among the groups gnomAD compares: East Asian, 0.0022%; no homozygotes.

Submission:

Labcorp Genetics (formerly Invitae), Labcorp
Classification: Pathogenic. Last evaluated: 2023-05-19. Review status: criteria provided, single submitter. Criteria: Invitae Variant Classification Sherloc (09022015). Collection method: clinical testing. Allele origin: germline.
Comment: For these reasons, this variant has been classified as Pathogenic. This variant has not been reported in the literature in individuals affected with TG-related conditions. This variant is not present in population databases (gnomAD no frequency). This sequence change creates a premature translational stop signal (p.Tyr2670*) in the TG gene. It is expected to result in an absent or disrupted protein product. Loss-of-function variants in TG are known to be pathogenic (PMID: 19837936, 23164529).

Literature cited by the submitters: PubMed 19837936; PubMed 23164529.